The following is an entry in ClinVar:

ClinVar aggregate classification (germline): Uncertain significance. Review status: criteria provided, multiple submitters, no conflicts (2 of 4 stars). 2 submissions from 2 submitters: Uncertain significance (2). Last evaluated 2023-09-06.

Conditions:
Cardiovascular phenotype. Identifiers: MedGen CN230736.
Brugada syndrome 5 (BRGDA5). Identifiers: Orphanet 130, Orphanet 871, MedGen C2748541, MONDO:0013015, OMIM 612838.

Allele frequency attached by ClinVar (database versions not stated): gnomAD exomes below 0.00001; ExAC 0.00001; gnomAD 0.00001; TOPMed 0.00001.
gnomAD v4.1: 2 of 1,613,624 alleles (0.00012%); highest among the groups gnomAD compares: African/African-American, 0.0027%; no homozygotes.

Submissions (2):

Ambry Genetics
Classification: Uncertain significance for Cardiovascular phenotype. Last evaluated: 2023-09-06. Review status: criteria provided, single submitter. Criteria: Ambry Variant Classification Scheme 2023. Collection method: clinical testing. Allele origin: germline.
Comment: The p.T191P variant (also known as c.571A>C), located in coding exon 4 of the SCN1B gene, results from an A to C substitution at nucleotide position 571. The threonine at codon 191 is replaced by proline, an amino acid with highly similar properties. This amino acid position is conserved. In addition, the in silico prediction for this alteration is inconclusive. Since supporting evidence is limited at this time, the clinical significance of this alteration remains unclear.

Labcorp Genetics (formerly Invitae), Labcorp
Classification: Uncertain significance for Brugada syndrome 5. Last evaluated: 2021-04-28. Review status: criteria provided, single submitter. Criteria: Invitae Variant Classification Sherloc (09022015). Collection method: clinical testing. Allele origin: germline.
Comment: This variant has not been reported in the literature in individuals with SCN1B-related conditions. In summary, the available evidence is currently insufficient to determine the role of this variant in disease. Therefore, it has been classified as a Variant of Uncertain Significance. Experimental studies and prediction algorithms are not available or were not evaluated, and the functional significance of this variant is currently unknown. This variant is present in population databases (rs765702440, ExAC 0.01%). This sequence change replaces threonine with proline at codon 191 of the SCN1B protein (p.Thr191Pro). The SCN1B gene has multiple clinically relevant transcripts. This variant occurs in alternate transcript NM_001037.4, and corresponds to NM_199037.4:c.*5141A>C in the primary transcript.

NM_001037.5(SCN1B):c.571A>C (p.Thr191Pro)

Gene: SCN1B (sodium voltage-gated channel beta subunit 1; plus strand). Cytogenetic location: 19q13.11.
Variant type: single nucleotide variant.
Coding change: c.571A>C on transcript NM_001037.5 (MANE Select); coding-DNA position 571, A replaced by C.
Protein change: p.Thr191Pro; replaces threonine 191 with proline.
Molecular consequence: missense variant.
Genome position (GRCh38, 1-based): chr19:35,039,239, A>C. VCF-style: chr19-35039239-A-C. GRCh37 (hg19) VCF-style: chr19-35530143-A-C.
Other names: c.472A>C, p.Thr158Pro (NM_001321605.2); c.571A>C (NM_001037.4); short protein forms T158P, T191P.
Identifiers: ClinVar variation 1439271 (VCV001439271.8), dbSNP rs765702440, ClinGen allele CA9372099.